The following is an entry in ClinVar:

ClinVar aggregate classification (germline): Uncertain significance (1 of 4 stars; one submission).

gnomAD v4.1: 3 of 1,613,450 alleles (0.00019%); highest among the groups gnomAD compares: Non-Finnish European, 0.00025%; no homozygotes.

Submission:

GeneDx
Classification: Uncertain significance. Last evaluated: 2026-03-26. Review status: criteria provided, single submitter. Criteria: GeneDx Variant Classification Process June 2021. Collection method: clinical testing. Allele origin: germline.
Comment: Not observed at significant frequency in large population cohorts (gnomAD); In silico analysis suggests that this missense variant does not alter protein structure/function; Has not been previously published as pathogenic or benign to our knowledge

NM_001375380.1(EBF3):c.1177A>C (p.Met393Leu)

Gene: EBF3 (EBF transcription factor 3; minus strand). Cytogenetic location: 10q26.3.
Variant type: single nucleotide variant.
Coding change: c.1177A>C on transcript NM_001375380.1 (MANE Select); coding-DNA position 1177, A replaced by C.
Protein change: p.Met393Leu; replaces methionine 393 with leucine.
Molecular consequence: missense variant.
Genome position (GRCh38, 1-based): chr10:129,843,154, T>G on the plus strand (A>C on the coding strand, the complement: EBF3 is on the minus strand). VCF-style: chr10-129843154-T-G. GRCh37 (hg19) VCF-style: chr10-131641418-T-G.
Other names: c.1150A>C, p.Met384Leu (NM_001005463.3, NM_001375390.1, NM_001375392.1); c.1177A>C, p.Met393Leu (NM_001375379.1, NM_001375389.1, NM_001375391.1); short protein forms M384L, M393L.
Identifiers: ClinVar variation 5017225 (VCV005017225.1).